The following is an entry in ClinVar:

NM_001148.6(ANK2):c.5456C>T (p.Ala1819Val)

Genes: ANK2 (ankyrin 2; plus strand), LOC126807136 (MED14-independent group 3 enhancer GRCh37_chr4:114274931-114276130; plus strand). Cytogenetic location: 4q26.
Variant type: single nucleotide variant.
Coding change: c.5456C>T on transcript NM_001148.6 (MANE Select); coding-DNA position 5456, C replaced by T.
Protein change: p.Ala1819Val; replaces alanine 1819 with valine.
Molecular consequence: missense variant. On other transcripts: intron variant (68).
Genome position (GRCh38, 1-based): chr4:113,354,074, C>T. VCF-style: chr4-113354074-C-T. GRCh37 (hg19) VCF-style: chr4-114275230-C-T.
Other names: c.5222C>T, p.Ala1741Val (NM_001386142.1); c.1856C>T, p.Ala619Val (NM_001386166.1); c.5597C>T, p.Ala1866Val (NM_001386174.1); c.5573C>T, p.Ala1858Val (NM_001386175.1); c.4411+3825C>T (NM_001386186.2, NM_001386148.2); c.4213+3825C>T (NM_001354269.3); c.4291+3825C>T (NM_001386187.2); c.4252+3825C>T (NM_001386147.1); and 35 more; short protein forms A1819V, A1741V, A1858V, A1866V, A619V.
Identifiers: ClinVar variation 902917 (VCV000902917.10), dbSNP rs753589550, ClinGen allele CA3051233.

ClinVar aggregate classification (germline): Conflicting classifications of pathogenicity. Review status: criteria provided, conflicting classifications (1 of 4 stars). 4 submissions from 4 submitters: Uncertain significance (3); Likely benign (1). Last evaluated 2025-10-06.

Conditions:
Cardiovascular phenotype. Identifiers: MedGen CN230736.
Long QT syndrome (LQTS). Identifiers: MedGen C0023976, MeSH D008133, MONDO:0002442. Disease mechanism: loss of function. Inheritance: Various modes of inheritance.
Cardiac arrhythmia, ankyrin-B-related. Also called: ANKYRIN-B SYNDROME. Identifiers: Orphanet 101016, Orphanet 768, MedGen C1970119, MONDO:0010958, OMIM 600919.

Allele frequency attached by ClinVar (database versions not stated): gnomAD 0.00001; TOPMed 0.00002.
gnomAD v4.1: 16 of 1,613,920 alleles (0.00099%); highest among the groups gnomAD compares: African/African-American, 0.0053%; no homozygotes.

Submissions (4):

Labcorp Genetics (formerly Invitae), Labcorp
Classification: Uncertain significance for Long QT syndrome. Last evaluated: 2025-10-06. Review status: criteria provided, single submitter. Criteria: Invitae Variant Classification Sherloc (09022015). Collection method: clinical testing. Allele origin: germline.
Comment: This sequence change replaces alanine, which is neutral and non-polar, with valine, which is neutral and non-polar, at codon 1819 of the ANK2 protein (p.Ala1819Val). This variant is present in population databases (rs753589550, gnomAD 0.01%). This variant has not been reported in the literature in individuals affected with ANK2-related conditions. ClinVar contains an entry for this variant (Variation ID: 902917). An algorithm developed to predict the effect of missense changes on protein structure and function outputs the following: PolyPhen-2: "Benign". The valine amino acid residue is found in multiple mammalian species, which suggests that this missense change does not adversely affect protein function. In summary, the available evidence is currently insufficient to determine the role of this variant in disease. Therefore, it has been classified as a Variant of Uncertain Significance.

Ambry Genetics
Classification: Likely benign for Cardiovascular phenotype. Last evaluated: 2021-02-05. Review status: criteria provided, single submitter. Criteria: Ambry Variant Classification Scheme 2023. Collection method: clinical testing. Allele origin: germline.

Illumina Laboratory Services, Illumina
Classification: Uncertain significance for Cardiac arrhythmia, ankyrin-B-related. Last evaluated: 2017-08-24. Review status: criteria provided, single submitter. Criteria: ICSL Variant Classification Criteria 13 December 2019. Collection method: clinical testing. Allele origin: germline.

Breakthrough Genomics
Classification: Uncertain significance. Review status: criteria provided, single submitter. Criteria: ACMG Guidelines, 2015. Collection method: not provided. Allele origin: germline. Inheritance: Autosomal dominant inheritance. Affected: yes.